The following is an entry in ClinVar:

NM_032790.4(ORAI1):c.440A>T (p.Asn147Ile)

Gene: ORAI1 (ORAI calcium release-activated calcium modulator 1; plus strand). Cytogenetic location: 12q24.31.
Variant type: single nucleotide variant.
Coding change: c.440A>T on transcript NM_032790.4 (MANE Select); coding-DNA position 440, A replaced by T.
Protein change: p.Asn147Ile; replaces asparagine 147 with isoleucine.
Molecular consequence: missense variant. On other transcripts: non-coding transcript variant (1).
Genome position (GRCh38, 1-based): chr12:121,641,177, A>T. VCF-style: chr12-121641177-A-T. GRCh37 (hg19) VCF-style: chr12-122079083-A-T.
Other names: short protein forms N147I.
Identifiers: ClinVar variation 2950959 (VCV002950959.3), dbSNP rs782280709, ClinGen allele CA386983138.
Genomic context (GRCh38, chr12:121,641,177, plus strand): 5'-CCACAGTGCTGGTGGCTGTGCACCTGTTTGCGCTCATGATCAGCACCTGCATCCTGCCCA[A>T]CATCGAGGCGGTGAGCAACGTGCACAATCTCAACTCGGTCAAGGAGTCCCCCCATGAGCG-3'
Protein context (NP_116179.2, residues 137-157): ALMISTCILP[Asn147Ile]IEAVSNVHNL

ClinVar aggregate classification (germline): Uncertain significance (1 of 4 stars; one submission).

Conditions:
Combined immunodeficiency due to ORAI1 deficiency. Also called: IMMUNODEFICIENCY 9. Identifiers: Orphanet 169090, Orphanet 317428, MedGen C2748568, MONDO:0013007, OMIM 612782.
Myopathy, tubular aggregate, 2 (TAM2). Identifiers: MedGen C4014557, MONDO:0014383, OMIM 615883.

Submission:

Labcorp Genetics (formerly Invitae), Labcorp
Classification: Uncertain significance for Myopathy, tubular aggregate, 2; Combined immunodeficiency due to ORAI1 deficiency. Last evaluated: 2023-08-14. Review status: criteria provided, single submitter. Criteria: Invitae Variant Classification Sherloc (09022015). Collection method: clinical testing. Allele origin: germline.
Comment: Experimental studies and prediction algorithms are not available or were not evaluated, and the functional significance of this variant is currently unknown. In summary, the available evidence is currently insufficient to determine the role of this variant in disease. Therefore, it has been classified as a Variant of Uncertain Significance. This variant has not been reported in the literature in individuals affected with ORAI1-related conditions. This variant is not present in population databases (gnomAD no frequency). This sequence change replaces asparagine, which is neutral and polar, with isoleucine, which is neutral and non-polar, at codon 147 of the ORAI1 protein (p.Asn147Ile).